The following is an entry in ClinVar:

ClinVar aggregate classification (germline): Pathogenic/Likely pathogenic. Review status: criteria provided, multiple submitters, no conflicts (2 of 4 stars). 3 submissions from 3 submitters: Pathogenic (1); Likely pathogenic (2). Last evaluated 2025-10-10.

Conditions:
Peroxisome biogenesis disorder 2B (PBD2B). Identifiers: Orphanet 44, MedGen C3550234, MONDO:0008736, OMIM 202370.
PEX5-related disorder. Also called: PEX5-related condition; PEX5-Related Disorders.

Submissions (3):

Labcorp Genetics (formerly Invitae), Labcorp
Classification: Likely pathogenic for Peroxisome biogenesis disorder 2B. Last evaluated: 2025-10-10. Review status: criteria provided, single submitter. Criteria: Invitae Variant Classification Sherloc (09022015). Collection method: clinical testing. Allele origin: germline.
Comment: This sequence change affects an acceptor splice site in intron 5 of the PEX5 gene. It is expected to disrupt RNA splicing. Variants that disrupt the donor or acceptor splice site typically lead to a loss of protein function (PMID: 16199547), and loss-of-function variants in PEX5 are known to be pathogenic (PMID: 18712838, 21031596). This variant is not present in population databases (gnomAD no frequency). This variant has not been reported in the literature in individuals affected with PEX5-related conditions. ClinVar contains an entry for this variant (Variation ID: 500513). Algorithms developed to predict the effect of sequence changes on RNA splicing suggest that this variant may disrupt the consensus splice site. In summary, the currently available evidence indicates that the variant is pathogenic, but additional data are needed to prove that conclusively. Therefore, this variant has been classified as Likely Pathogenic.

Women's Health and Genetics/Laboratory Corporation of America, LabCorp
Classification: Likely pathogenic for PEX5-Related Disorders. Last evaluated: 2024-05-02. Review status: criteria provided, single submitter. Criteria: LabCorp Variant Classification Summary - May 2015. Collection method: clinical testing. Allele origin: germline.
Comment: Variant summary: PEX5 c.449-2A>G is located in a canonical splice-site and is predicted to affect mRNA splicing resulting in a significantly altered protein due to either exon skipping, shortening, or inclusion of intronic material. Several computational tools predict a significant impact on normal splicing: Four predict the variant abolishes a 3' acceptor site. However, these predictions have yet to be confirmed by functional studies. The frequency data for this variant in gnomAD is considered unreliable, as metrics indicate poor data quality at this position. To our knowledge, no occurrence of c.449-2A>G in individuals affected with PEX5-Related Disorders and no experimental evidence demonstrating its impact on protein function have been reported. ClinVar contains an entry for this variant (Variation ID: 500513). Based on the evidence outlined above, the variant was classified as likely pathogenic.

Eurofins Ntd Llc (ga)
Classification: Pathogenic. Last evaluated: 2017-02-22. Review status: criteria provided, single submitter. Criteria: EGL Classification Definitions 2015. Collection method: clinical testing. Allele origin: germline. Observed: 1 variant allele, 1 heterozygote.

Literature cited by the submitters: PubMed 16199547 (cited by Labcorp Genetics (formerly Invitae), Labcorp); PubMed 18712838 (cited by Labcorp Genetics (formerly Invitae), Labcorp); PubMed 21031596 (cited by Labcorp Genetics (formerly Invitae), Labcorp).

NM_001351132.2(PEX5):c.449-2A>G

Gene: PEX5 (peroxisomal biogenesis factor 5; plus strand). Cytogenetic location: 12p13.31.
Variant type: single nucleotide variant.
Coding change: c.449-2A>G on transcript NM_001351132.2 (MANE Select); the canonical splice acceptor site of the intron before coding-DNA position 449, A replaced by G.
Molecular consequence: splice acceptor variant.
Genome position (GRCh38, 1-based): chr12:7,199,009, A>G. VCF-style: chr12-7199009-A-G. GRCh37 (hg19) VCF-style: chr12-7351605-A-G.
Other names: c.449-2A>G (NM_001351124.3, NM_001131026.2, NM_001351131.2 and 19 more transcripts); c.494-2A>G (NM_001351135.3, NM_001131023.2, NM_001351138.2).
Identifiers: ClinVar variation 500513 (VCV000500513.7), dbSNP rs1555176945, ClinGen allele CA383717140.